The following is an entry in ClinVar:

ClinVar aggregate classification (germline): Uncertain significance (1 of 4 stars; one submission).

gnomAD v4.1: 2 of 1,600,766 alleles (0.00012%); highest among the groups gnomAD compares: African/African-American, 0.0027%; no homozygotes.

Submission:

GeneDx
Classification: Uncertain significance. Last evaluated: 2024-03-07. Review status: criteria provided, single submitter. Criteria: GeneDx Variant Classification Process June 2021. Collection method: clinical testing. Allele origin: germline. Affected: yes.
Comment: Not observed at significant frequency in large population cohorts (gnomAD); In silico analysis supports that this missense variant does not alter protein structure/function; Has not been previously published as pathogenic or benign to our knowledge

NM_003412.4(ZIC1):c.81C>A (p.Asp27Glu)

Gene: ZIC1 (Zic family member 1; plus strand). Cytogenetic location: 3q24.
Variant type: single nucleotide variant.
Coding change: c.81C>A on transcript NM_003412.4 (MANE Select); coding-DNA position 81, C replaced by A.
Protein change: p.Asp27Glu; replaces aspartic acid 27 with glutamic acid.
Molecular consequence: missense variant.
Genome position (GRCh38, 1-based): chr3:147,410,193, C>A. VCF-style: chr3-147410193-C-A. GRCh37 (hg19) VCF-style: chr3-147127980-C-A.
Other names: short protein forms D27E.
Identifiers: ClinVar variation 3370750 (VCV003370750.1).